The following is an entry in ClinVar:

NM_001244008.2(KIF1A):c.4622C>T (p.Pro1541Leu)

Gene: KIF1A (kinesin family member 1A; minus strand). Cytogenetic location: 2q37.3.
Variant type: single nucleotide variant.
Coding change: c.4622C>T on transcript NM_001244008.2 (MANE Select); coding-DNA position 4622, C replaced by T.
Protein change: p.Pro1541Leu; replaces proline 1541 with leucine.
Molecular consequence: missense variant.
Genome position (GRCh38, 1-based): chr2:240,722,499, G>A on the plus strand (C>T on the coding strand, the complement: KIF1A is on the minus strand). VCF-style: chr2-240722499-G-A. GRCh37 (hg19) VCF-style: chr2-241661916-G-A.
Other names: c.4346C>T, p.Pro1449Leu (NM_001320705.2, NM_001379649.1); c.4373C>T, p.Pro1458Leu (NM_001330289.2); c.4421C>T, p.Pro1474Leu (NM_001330290.2, NM_001379648.1); c.4697C>T, p.Pro1566Leu (NM_001379631.1); c.4598C>T, p.Pro1533Leu (NM_001379632.1); c.4595C>T, p.Pro1532Leu (NM_001379633.1, NM_001379645.1); c.4448C>T, p.Pro1483Leu (NM_001379634.1); c.4445C>T, p.Pro1482Leu (NM_001379635.1, NM_001379646.1); and 7 more; short protein forms P1439L, P1440L, P1448L, P1449L, P1457L, P1458L, P1465L, P1474L.
Identifiers: ClinVar variation 3753693 (VCV003753693.2).

ClinVar aggregate classification (germline): Uncertain significance (1 of 4 stars; one submission).

Conditions:
Neuropathy, hereditary sensory, type 2C. Also called: KIF1A-Related HSAN2 (HSAN2C); Hereditary sensory and autonomic neuropathy type IIC. Identifiers: Orphanet 970, MedGen C3280168, MONDO:0013634, OMIM 614213.
Hereditary spastic paraplegia 30. Identifiers: Orphanet 101010, MedGen C5235139, MONDO:0012476.
Intellectual disability, autosomal dominant 9 (NESCAVS). Also called: KIF1A-Related Neurodevelopmental Disorder; NESCAV SYNDROME. Identifiers: Orphanet 662367, MedGen C5393830, MONDO:0013656, OMIM 614255.

Submission:

Labcorp Genetics (formerly Invitae), Labcorp
Classification: Uncertain significance for Hereditary spastic paraplegia 30; Neuropathy, hereditary sensory, type 2C; Intellectual disability, autosomal dominant 9. Last evaluated: 2024-03-19. Review status: criteria provided, single submitter. Criteria: Invitae Variant Classification Sherloc (09022015). Collection method: clinical testing. Allele origin: germline.
Comment: This sequence change replaces proline, which is neutral and non-polar, with leucine, which is neutral and non-polar, at codon 1440 of the KIF1A protein (p.Pro1440Leu). This variant is not present in population databases (gnomAD no frequency). This variant has not been reported in the literature in individuals affected with KIF1A-related conditions. Advanced modeling of protein sequence and biophysical properties (such as structural, functional, and spatial information, amino acid conservation, physicochemical variation, residue mobility, and thermodynamic stability) performed at Invitae indicates that this missense variant is not expected to disrupt KIF1A protein function with a negative predictive value of 95%. In summary, the available evidence is currently insufficient to determine the role of this variant in disease. Therefore, it has been classified as a Variant of Uncertain Significance.